The following is an entry in ClinVar:

ClinVar aggregate classification (germline): Uncertain significance (1 of 4 stars; one submission).

Conditions:
Inborn genetic diseases. Identifiers: MedGen C0950123, MeSH D030342.

gnomAD v4.1: 1 of 1,613,778 alleles (0.000062%); highest among the groups gnomAD compares: Non-Finnish European, 0.000085%; no homozygotes.

Submission:

Ambry Genetics
Classification: Uncertain significance for Inborn genetic diseases. Last evaluated: 2024-06-30. Review status: criteria provided, single submitter. Criteria: Ambry Variant Classification Scheme 2023. Collection method: clinical testing. Allele origin: germline.
Comment: The p.E72Q variant (also known as c.214G>C), located in coding exon 2 of the MDH2 gene, results from a G to C substitution at nucleotide position 214. The glutamic acid at codon 72 is replaced by glutamine, an amino acid with highly similar properties. This amino acid position is conserved. In addition, this alteration is predicted to be deleterious by in silico analysis. Based on the available evidence, the clinical significance of this variant remains unclear.

NM_005918.4(MDH2):c.214G>C (p.Glu72Gln)

Gene: MDH2 (malate dehydrogenase 2; plus strand). Cytogenetic location: 7q11.23.
Variant type: single nucleotide variant.
Coding change: c.214G>C on transcript NM_005918.4 (MANE Select); coding-DNA position 214, G replaced by C.
Protein change: p.Glu72Gln; replaces glutamic acid 72 with glutamine.
Molecular consequence: missense variant. On other transcripts: intron variant (1).
Genome position (GRCh38, 1-based): chr7:76,054,977, G>C. VCF-style: chr7-76054977-G-C. GRCh37 (hg19) VCF-style: chr7-75684295-G-C.
Other names: c.214G>C, p.Glu72Gln (NM_001282403.2); c.-86-2433G>C (NM_001282404.2); short protein forms E72Q.
Identifiers: ClinVar variation 3394058 (VCV003394058.1).